The following is an entry in ClinVar:

ClinVar aggregate classification (germline): Likely pathogenic (1 of 4 stars; one submission).

Conditions:
Peroxisome biogenesis disorder. Identifiers: Orphanet 79189, MedGen C1832200, MONDO:0019234. Disease mechanism: loss of function.

Allele frequency attached by ClinVar (database versions not stated): gnomAD exomes 0.00001.
gnomAD v4.1: 16 of 1,612,616 alleles (0.00099%); highest among the groups gnomAD compares: Non-Finnish European, 0.0014%; no homozygotes.

Submission:

Labcorp Genetics (formerly Invitae), Labcorp
Classification: Likely pathogenic for Peroxisome biogenesis disorder. Last evaluated: 2020-07-16. Review status: criteria provided, single submitter. Criteria: Invitae Variant Classification Sherloc (09022015). Collection method: clinical testing. Allele origin: germline.
Comment: Algorithms developed to predict the effect of sequence changes on RNA splicing suggest that this variant may disrupt the consensus splice site, but this prediction has not been confirmed by published transcriptional studies. This variant has not been reported in the literature in individuals with PEX6-related conditions. This variant is not present in population databases (ExAC no frequency). This sequence change affects a donor splice site in intron 5 of the PEX6 gene. It is expected to disrupt RNA splicing and likely results in an absent or disrupted protein product. Donor and acceptor splice site variants typically lead to a loss of protein function (PMID: 16199547), and loss-of-function variants in PEX6 are known to be pathogenic (PMID: 8670792, 19877282, 21031596). In summary, the currently available evidence indicates that the variant is pathogenic, but additional data are needed to prove that conclusively. Therefore, this variant has been classified as Likely Pathogenic.

Literature cited by the submitters: PubMed 16199547; PubMed 8670792; PubMed 19877282; PubMed 21031596.

NM_000287.4(PEX6):c.1367+1G>A

Gene: PEX6 (peroxisomal biogenesis factor 6; minus strand). Cytogenetic location: 6p21.1.
Variant type: single nucleotide variant.
Coding change: c.1367+1G>A on transcript NM_000287.4 (MANE Select); the canonical splice donor site of the intron after coding-DNA position 1367, G replaced by A.
Molecular consequence: splice donor variant.
Genome position (GRCh38, 1-based): chr6:42,969,667, C>T on the plus strand (G>A on the coding strand, the complement: PEX6 is on the minus strand). VCF-style: chr6-42969667-C-T. GRCh37 (hg19) VCF-style: chr6-42937405-C-T.
Other names: c.1103+1G>A (NM_001316313.2).
Identifiers: ClinVar variation 1066922 (VCV001066922.7), dbSNP rs1769988075, ClinGen allele CA364155530.